The following is an entry in ClinVar:

NM_021871.4(FGA):c.95G>A (p.Gly32Glu)

Gene: FGA (fibrinogen alpha chain; minus strand). Cytogenetic location: 4q31.3.
Variant type: single nucleotide variant.
Coding change: c.95G>A on transcript NM_021871.4 (MANE Select); coding-DNA position 95, G replaced by A.
Protein change: p.Gly32Glu; replaces glycine 32 with glutamic acid.
Molecular consequence: missense variant.
Genome position (GRCh38, 1-based): chr4:154,589,522, C>T on the plus strand (G>A on the coding strand, the complement: FGA is on the minus strand). VCF-style: chr4-154589522-C-T. GRCh37 (hg19) VCF-style: chr4-155510674-C-T.
Other names: c.95G>A (NM_000508.4); c.95G>A, p.Gly32Glu (NM_000508.5); short protein forms G32E.
Identifiers: ClinVar variation 3342526 (VCV003342526.2).

ClinVar aggregate classification (germline): Likely pathogenic. Review status: criteria provided, multiple submitters, no conflicts (2 of 4 stars). 2 submissions from 2 submitters: Likely pathogenic (2). Last evaluated 2026-09-03.

Conditions:
FGA-related disorder. Also called: FGA-related condition; FGA-related disorders.

Submissions (2):

PreventionGenetics, part of Exact Sciences
Classification: Likely pathogenic for FGA-related condition. Last evaluated: 2026-09-03. Review status: criteria provided, single submitter. Criteria: ACMG Guidelines, 2015. Collection method: clinical testing. Allele origin: germline.
Comment: The FGA c.95G>A variant is predicted to result in the amino acid substitution p.Gly32Glu. This variant, also referred to as p.Gly13Glu using legacy nomenclature, has been reported in individuals with dysfibrinogenemia. In vitro analysis supports pathogenicity by demonstrating this variant results in decreased fibrinogen levels, activity, and a prolonged thrombin time (Kotlín et al. 2011. PubMed ID: 21112076; Simurda et al. 2020. PubMed ID: 32166693). This variant has not been reported in a large population database (gnomAD), indicating it is rare. Alternate nucleotide changes (c.94G>A and c.94G>C) that result in a different amino acid change at this residue (p.Gly32Arg) have been reported in individuals with dysfibrinogenemia (Yan et al. 2022. PubMed ID: 35063457; Yan. 2017. PubMed ID: 27933517). Taken together, the c.95G>A (p.Gly32Glu) variant is interpreted as likely pathogenic.

GeneDx
Classification: Likely pathogenic. Last evaluated: 2024-03-26. Review status: criteria provided, single submitter. Criteria: GeneDx Variant Classification Process June 2021. Collection method: clinical testing. Allele origin: germline. Affected: yes.
Comment: Identified in patients with FGA-related congenital dysfibrinogenemia referred for genetic testing at GeneDx and in published literature (PMID: 21112076, 32166693); Also known as A G13E and Fibrinogen Olovnice/Krakow II; Published functional studies suggest a damaging effect on fibrinopeptide release and polymerization of fibrin monomers (PMID: 21112076); In silico analysis supports that this missense variant has a deleterious effect on protein structure/function; Not observed at significant frequency in large population cohorts (gnomAD); This variant is associated with the following publications: (PMID: 21112076, 32166693)